The following is an entry in ClinVar:

NM_004960.4(FUS):c.*103dup

Gene: FUS (FUS RNA binding protein; plus strand). Cytogenetic location: 16p11.2.
Variant type: Duplication.
Coding change: c.*103dup on transcript NM_004960.4 (MANE Select); 103 bases downstream of the stop codon, one base duplicated (T; older notation c.*103dupT).
Molecular consequence: 3 prime UTR variant. On other transcripts: non-coding transcript variant (1).
Genome position (GRCh38, 1-based): chr16:31,191,541, T duplicated; the last of 7 consecutive T bases (chr16:31,191,535-31,191,541); duplicating any one gives the same sequence. VCF-style (leftmost placement, unchanged base first): chr16-31191534-G-GT. GRCh37 (hg19) VCF-style: chr16-31202855-G-GT.
Other names: c.*103dupT (NM_004960.3); c.*103dup (NM_001170634.1, NM_001170937.1).
Identifiers: ClinVar variation 2634924 (VCV002634924.2), dbSNP rs765805820, ClinGen allele CA8024144.

ClinVar aggregate classification (germline): Likely benign (1 of 4 stars; one submission).

Conditions:
FUS-related disorder. Also called: FUS-related condition.

Submission:

PreventionGenetics, part of Exact Sciences
Classification: Likely benign for FUS-related condition. Last evaluated: 2026-06-10. Review status: criteria provided, single submitter. Criteria: ACMG Guidelines, 2015. Collection method: clinical testing. Allele origin: germline.
Comment: This variant is classified as likely benign based on ACMG/AMP sequence variant interpretation guidelines (Richards et al. 2015 PMID: 25741868, with internal and published modifications).